The following is an entry in ClinVar:

ClinVar aggregate classification (germline): Uncertain significance (1 of 4 stars; one submission).

Allele frequency attached by ClinVar (database versions not stated): gnomAD exomes below 0.00001; TOPMed below 0.00001.

Submission:

Labcorp Genetics (formerly Invitae), Labcorp
Classification: Uncertain significance. Last evaluated: 2021-09-24. Review status: criteria provided, single submitter. Criteria: Invitae Variant Classification Sherloc (09022015). Collection method: clinical testing. Allele origin: germline.
Comment: This sequence change replaces serine with asparagine at codon 140 of the ALDH3A2 protein (p.Ser140Asn). The serine residue is moderately conserved and there is a small physicochemical difference between serine and asparagine. This variant is not present in population databases (ExAC no frequency). This variant has not been reported in the literature in individuals affected with ALDH3A2-related conditions. Advanced modeling of protein sequence and biophysical properties (such as structural, functional, and spatial information, amino acid conservation, physicochemical variation, residue mobility, and thermodynamic stability) performed at Invitae indicates that this missense variant is expected to disrupt ALDH3A2 protein function. In summary, the available evidence is currently insufficient to determine the role of this variant in disease. Therefore, it has been classified as a Variant of Uncertain Significance.

NM_000382.3(ALDH3A2):c.419G>A (p.Ser140Asn)

Gene: ALDH3A2 (aldehyde dehydrogenase 3 family member A2; plus strand). Cytogenetic location: 17p11.2.
Variant type: single nucleotide variant.
Coding change: c.419G>A on transcript NM_000382.3 (MANE Select); coding-DNA position 419, G replaced by A.
Protein change: p.Ser140Asn; replaces serine 140 with asparagine.
Molecular consequence: missense variant. On other transcripts: 5 prime UTR variant (1).
Genome position (GRCh38, 1-based): chr17:19,652,580, G>A. VCF-style: chr17-19652580-G-A. GRCh37 (hg19) VCF-style: chr17-19555893-G-A.
Other names: c.419G>A, p.Ser140Asn (NM_001031806.2, NM_001369136.1, NM_001369137.2 and 3 more transcripts); c.-270G>A (NM_001369148.2); short protein forms S140N.
Identifiers: ClinVar variation 1514975 (VCV001514975.3), dbSNP rs2084830816, ClinGen allele CA398703025.